The following is an entry in ClinVar:

NM_021956.5(GRIK2):c.1165T>C (p.Leu389=)

Gene: GRIK2 (glutamate ionotropic receptor kainate type subunit 2; plus strand). Cytogenetic location: 6q16.3.
Variant type: single nucleotide variant.
Coding change: c.1165T>C on transcript NM_021956.5 (MANE Select); coding-DNA position 1165, T replaced by C.
Protein change: p.Leu389=; no amino-acid change (leucine 389 retained).
Molecular consequence: synonymous variant.
Genome position (GRCh38, 1-based): chr6:101,802,400, T>C. VCF-style: chr6-101802400-T-C. GRCh37 (hg19) VCF-style: chr6-102250275-T-C.
Other names: c.1165T>C, p.Leu389= (NM_001166247.1, NM_175768.3).
Identifiers: ClinVar variation 786095 (VCV000786095.19), dbSNP rs145563772, ClinGen allele CA3939524.

ClinVar aggregate classification (germline): Benign/Likely benign. Review status: criteria provided, multiple submitters, no conflicts (2 of 4 stars). 3 submissions from 3 submitters: Benign (1); Likely benign (2). Last evaluated 2025-11-01.

Allele frequency attached by ClinVar (database versions not stated): gnomAD exomes 0.00042; ExAC 0.00056; 1000 Genomes Project 30x 0.00156; 1000 Genomes Project 0.00160; gnomAD 0.00211 and 0.00231; TOPMed 0.00225; ESP Exome Variant Server 0.00254.
gnomAD v4.1: 592 of 1,586,922 alleles (0.037%); highest among the groups gnomAD compares: African/African-American, 0.76%; 2 homozygotes.

Submissions (3):

CeGaT Center for Human Genetics Tuebingen
Classification: Likely benign. Last evaluated: 2025-11-01. Review status: criteria provided, single submitter. Criteria: CeGaT Center For Human Genetics Tuebingen Variant Classification Criteria Version 2. Collection method: clinical testing. Allele origin: germline. Affected: yes. Observed: 2 variant alleles.
Comment: GRIK2: BP4, BS2

Blueprint Genetics
Classification: Likely benign. Last evaluated: 2024-10-30. Review status: criteria provided, single submitter. Criteria: ACMG Guidelines, 2015. Collection method: clinical testing. Allele origin: germline.

Labcorp Genetics (formerly Invitae), Labcorp
Classification: Benign. Last evaluated: 2019-12-31. Review status: criteria provided, single submitter. Criteria: Invitae Variant Classification Sherloc (09022015). Collection method: clinical testing. Allele origin: germline.